The following is an entry in ClinVar:

ClinVar aggregate classification (germline): Uncertain significance (1 of 4 stars; one submission).

Conditions:
Early-infantile DEE. Also called: Early infantile epileptic encephalopathy; Ohtahara syndrome; Early infantile epileptic encephalopathy with suppression bursts. Identifiers: Orphanet 1934, MedGen C0393706, MONDO:0800491.

Submission:

Labcorp Genetics (formerly Invitae), Labcorp
Classification: Uncertain significance for Early-infantile DEE. Last evaluated: 2024-10-21. Review status: criteria provided, single submitter. Criteria: Invitae Variant Classification Sherloc (09022015). Collection method: clinical testing. Allele origin: germline.
Comment: This sequence change replaces phenylalanine, which is neutral and non-polar, with leucine, which is neutral and non-polar, at codon 1675 of the SPTAN1 protein (p.Phe1675Leu). This variant is not present in population databases (gnomAD no frequency). This variant has not been reported in the literature in individuals affected with SPTAN1-related conditions. Invitae Evidence Modeling of protein sequence and biophysical properties (such as structural, functional, and spatial information, amino acid conservation, physicochemical variation, residue mobility, and thermodynamic stability) has been performed for this missense variant. However, the output from this modeling did not meet the statistical confidence thresholds required to predict the impact of this variant on SPTAN1 protein function. In summary, the available evidence is currently insufficient to determine the role of this variant in disease. Therefore, it has been classified as a Variant of Uncertain Significance.

NM_001130438.3(SPTAN1):c.5023T>C (p.Phe1675Leu)

Gene: SPTAN1 (spectrin alpha, non-erythrocytic 1; plus strand). Cytogenetic location: 9q34.11.
Variant type: single nucleotide variant.
Coding change: c.5023T>C on transcript NM_001130438.3 (MANE Select); coding-DNA position 5023, T replaced by C.
Protein change: p.Phe1675Leu; replaces phenylalanine 1675 with leucine.
Molecular consequence: missense variant.
Genome position (GRCh38, 1-based): chr9:128,612,226, T>C. VCF-style: chr9-128612226-T-C. GRCh37 (hg19) VCF-style: chr9-131374505-T-C.
Other names: c.4948T>C, p.Phe1650Leu (NM_001195532.2); c.5023T>C, p.Phe1675Leu (NM_001363759.2, NM_001375310.1, NM_001375311.2 and 1 more transcripts); c.4963T>C, p.Phe1655Leu (NM_001363765.2, NM_001375314.2); c.5059T>C, p.Phe1687Leu (NM_001375312.2, NM_001375318.1); c.5008T>C, p.Phe1670Leu (NM_003127.4); short protein forms F1670L, F1687L, F1655L, F1650L, F1675L.
Identifiers: ClinVar variation 3635920 (VCV003635920.2).